The following is an entry in ClinVar:

NM_020791.4(TAOK1):c.749G>A (p.Trp250Ter)

Gene: TAOK1 (TAO kinase 1; plus strand). Cytogenetic location: 17q11.2.
Variant type: single nucleotide variant.
Coding change: c.749G>A on transcript NM_020791.4 (MANE Select); coding-DNA position 749, G replaced by A.
Protein change: p.Trp250Ter; replaces tryptophan 250 with a stop codon.
Molecular consequence: nonsense.
Genome position (GRCh38, 1-based): chr17:29,489,757, G>A. VCF-style: chr17-29489757-G-A. GRCh37 (hg19) VCF-style: chr17-27816775-G-A.
Other names: c.749G>A, p.Trp250Ter (NM_025142.1); short protein forms W250*.
Identifiers: ClinVar variation 4819150 (VCV004819150.1).

ClinVar aggregate classification (germline): Pathogenic (1 of 4 stars; one submission).

Conditions:
Developmental delay with or without intellectual impairment or behavioral abnormalities. Identifiers: MedGen C5562004, MONDO:0859199, OMIM 619575.

Submission:

Institute of Human Genetics, University of Leipzig Medical Center
Classification: Pathogenic for Developmental delay with or without intellectual impairment or behavioral abnormalities. Last evaluated: 2026-02-10. Review status: criteria provided, single submitter. Criteria: ACMG Guidelines, 2015. Collection method: clinical testing. Allele origin: unknown. Inheritance: Autosomal dominant inheritance. Affected: yes.
Comment: Criteria applied: PVS1,PS2_MOD,PM2